The following is an entry in ClinVar:

NM_018942.3(HMX1):c.331G>C (p.Gly111Arg)

Gene: HMX1 (H6 family homeobox 1; minus strand). Cytogenetic location: 4p16.1.
Variant type: single nucleotide variant.
Coding change: c.331G>C on transcript NM_018942.3 (MANE Select); coding-DNA position 331, G replaced by C.
Protein change: p.Gly111Arg; replaces glycine 111 with arginine.
Molecular consequence: missense variant.
Genome position (GRCh38, 1-based): chr4:8,871,284, C>G on the plus strand (G>C on the coding strand, the complement: HMX1 is on the minus strand). VCF-style: chr4-8871284-C-G. GRCh37 (hg19) VCF-style: chr4-8873010-C-G.
Other names: c.331G>C, p.Gly111Arg (NM_001306142.2); short protein forms G111R.
Identifiers: ClinVar variation 1060975 (VCV001060975.9), dbSNP rs2109477386, ClinGen allele CA356278851.

ClinVar aggregate classification (germline): Uncertain significance (1 of 4 stars; one submission).

Submission:

Labcorp Genetics (formerly Invitae), Labcorp
Classification: Uncertain significance. Last evaluated: 2020-05-21. Review status: criteria provided, single submitter. Criteria: Invitae Variant Classification Sherloc (09022015). Collection method: clinical testing. Allele origin: germline.
Comment: In summary, the available evidence is currently insufficient to determine the role of this variant in disease. Therefore, it has been classified as a Variant of Uncertain Significance. Experimental studies and prediction algorithms are not available or were not evaluated, and the functional significance of this variant is currently unknown. This variant has not been reported in the literature in individuals with HMX1-related conditions. The frequency data for this variant in the population databases is considered unreliable, as metrics indicate insufficient coverage at this position in the ExAC database. This sequence change replaces glycine with arginine at codon 111 of the HMX1 protein (p.Gly111Arg). The glycine residue is moderately conserved and there is a moderate physicochemical difference between glycine and arginine.